The following is an entry in ClinVar:

NM_001007527.2(LMBRD2):c.1652G>A (p.Arg551His)

Gene: LMBRD2 (LMBR1 domain containing 2; minus strand). Cytogenetic location: 5p13.2.
Variant type: single nucleotide variant.
Coding change: c.1652G>A on transcript NM_001007527.2 (MANE Select); coding-DNA position 1652, G replaced by A.
Protein change: p.Arg551His; replaces arginine 551 with histidine.
Molecular consequence: missense variant.
Genome position (GRCh38, 1-based): chr5:36,111,247, C>T on the plus strand (G>A on the coding strand, the complement: LMBRD2 is on the minus strand). VCF-style: chr5-36111247-C-T. GRCh37 (hg19) VCF-style: chr5-36111349-C-T.
Other names: short protein forms R551H.
Identifiers: ClinVar variation 5023593 (VCV005023593.1).

ClinVar aggregate classification (germline): Uncertain significance (1 of 4 stars; one submission).

Conditions:
Inborn genetic diseases. Identifiers: MedGen C0950123, MeSH D030342.

gnomAD v4.1: 22 of 1,609,672 alleles (0.0014%); highest among the groups gnomAD compares: African/African-American, 0.0067%; no homozygotes.

Submission:

Ambry Genetics
Classification: Uncertain significance for Inborn genetic diseases. Last evaluated: 2026-06-18. Review status: criteria provided, single submitter. Criteria: Ambry Variant Classification Scheme 2023. Collection method: clinical testing. Allele origin: germline.
Comment: The c.1652G>A (p.R551H) alteration is located in exon 14 (coding exon 13) of the LMBRD2 gene. This alteration results from a G to A substitution at nucleotide position 1652, causing the arginine (R) at amino acid position 551 to be replaced by a histidine (H). Based on data from gnomAD, the A allele has an overall frequency of 0.002% (6/248570) total alleles studied. The highest observed frequency was 0.013% (2/15790) of African alleles. Based on insufficient or conflicting evidence, the clinical significance of this alteration remains unclear.